The following is an entry in ClinVar:

ClinVar aggregate classification (germline): Uncertain significance (1 of 4 stars; one submission).

Conditions:
Hereditary sensory and autonomic neuropathy type 7. Also called: HSAN VII; Neuropathy, hereditary sensory and autonomic, type VII. Identifiers: Orphanet 391397, MedGen C3809882, MONDO:0014244, OMIM 615548.
Familial episodic pain syndrome with predominantly lower limb involvement. Also called: Episodic pain syndrome, familial, 3. Identifiers: Orphanet 391384, Orphanet 391392, MedGen C3809899, MONDO:0014247, OMIM 615552.

Submission:

Labcorp Genetics (formerly Invitae), Labcorp
Classification: Uncertain significance for Familial episodic pain syndrome with predominantly lower limb involvement; Hereditary sensory and autonomic neuropathy type 7. Last evaluated: 2024-04-03. Review status: criteria provided, single submitter. Criteria: Invitae Variant Classification Sherloc (09022015). Collection method: clinical testing. Allele origin: germline.
Comment: This sequence change replaces proline, which is neutral and non-polar, with leucine, which is neutral and non-polar, at codon 974 of the SCN11A protein (p.Pro974Leu). This variant is present in population databases (no rsID available, gnomAD 0.006%). This variant has not been reported in the literature in individuals affected with SCN11A-related conditions. Algorithms developed to predict the effect of missense changes on protein structure and function output the following: SIFT: "Not Available"; PolyPhen-2: "Benign"; Align-GVGD: "Not Available". The leucine amino acid residue is found in multiple mammalian species, which suggests that this missense change does not adversely affect protein function. In summary, the available evidence is currently insufficient to determine the role of this variant in disease. Therefore, it has been classified as a Variant of Uncertain Significance.

NM_001349253.2(SCN11A):c.2921C>T (p.Pro974Leu)

Gene: SCN11A (sodium voltage-gated channel alpha subunit 11; minus strand). Cytogenetic location: 3p22.2.
Variant type: single nucleotide variant.
Coding change: c.2921C>T on transcript NM_001349253.2 (MANE Select); coding-DNA position 2921, C replaced by T.
Protein change: p.Pro974Leu; replaces proline 974 with leucine.
Molecular consequence: missense variant.
Genome position (GRCh38, 1-based): chr3:38,886,153, G>A on the plus strand (C>T on the coding strand, the complement: SCN11A is on the minus strand). VCF-style: chr3-38886153-G-A. GRCh37 (hg19) VCF-style: chr3-38927644-G-A.
Other names: c.2921C>T, p.Pro974Leu (NM_014139.3); short protein forms P974L.
Identifiers: ClinVar variation 3755436 (VCV003755436.2).